The following is an entry in ClinVar:

ClinVar aggregate classification (germline): Uncertain significance (1 of 4 stars; one submission).

Submission:

GeneDx
Classification: Uncertain significance. Last evaluated: 2024-11-26. Review status: criteria provided, single submitter. Criteria: GeneDx Variant Classification Process June 2021. Collection method: clinical testing. Allele origin: germline. Affected: yes.
Comment: Not observed at significant frequency in large population cohorts (gnomAD); In silico analysis supports that this missense variant has a deleterious effect on protein structure/function; Has not been previously published as pathogenic or benign to our knowledge; Not located in one of the three hot-spot regions of the RYR2 gene, where the majority of pathogenic missense variants occur (PMID: 19926015); This variant is associated with the following publications: (PMID: 19926015)

NM_001035.3(RYR2):c.8483T>C (p.Met2828Thr)

Gene: RYR2 (ryanodine receptor 2; plus strand). Cytogenetic location: 1q43.
Variant type: single nucleotide variant.
Coding change: c.8483T>C on transcript NM_001035.3 (MANE Select); coding-DNA position 8483, T replaced by C.
Protein change: p.Met2828Thr; replaces methionine 2828 with threonine.
Molecular consequence: missense variant.
Genome position (GRCh38, 1-based): chr1:237,666,558, T>C. VCF-style: chr1-237666558-T-C. GRCh37 (hg19) VCF-style: chr1-237829858-T-C.
Other names: short protein forms M2828T.
Identifiers: ClinVar variation 3900867 (VCV003900867.1).
Genomic context (GRCh38, chr1:237,666,558, plus strand): 5'-CACAAATGATCTAGGTTTCTGTGGACGCTGCCCATGGTTACAGTCCCCGGGCCATTGACA[T>C]GAGCAATGTTACACTATCTAGAGACCTGCATGTAAGTACTATTAACTTTTAAAAATAGTC-3'
Protein context (NP_001026.2, residues 2818-2838): AHGYSPRAID[Met2828Thr]SNVTLSRDLH